The following is an entry in ClinVar:

NM_004304.5(ALK):c.1144G>A (p.Gly382Arg)

Gene: ALK (ALK receptor tyrosine kinase; minus strand). Cytogenetic location: 2p23.2.
Variant type: single nucleotide variant.
Coding change: c.1144G>A on transcript NM_004304.5 (MANE Select); coding-DNA position 1144, G replaced by A.
Protein change: p.Gly382Arg; replaces glycine 382 with arginine.
Molecular consequence: missense variant.
Genome position (GRCh38, 1-based): chr2:29,531,925, C>T on the plus strand (G>A on the coding strand, the complement: ALK is on the minus strand). VCF-style: chr2-29531925-C-T. GRCh37 (hg19) VCF-style: chr2-29754791-C-T.
Other names: short protein forms G382R.
Identifiers: ClinVar variation 3524757 (VCV003524757.1).

ClinVar aggregate classification (germline): Uncertain significance (1 of 4 stars; one submission).

Conditions:
Hereditary cancer-predisposing syndrome. Also called: Hereditary Cancer Syndrome; Hereditary neoplastic syndrome; Tumor predisposition; Neoplastic Syndromes, Hereditary. Identifiers: Orphanet 140162, MedGen C0027672, MeSH D009386, MONDO:0015356.

Submission:

Ambry Genetics
Classification: Uncertain significance for Hereditary cancer-predisposing syndrome. Last evaluated: 2024-09-23. Review status: criteria provided, single submitter. Criteria: Ambry Variant Classification Scheme 2023. Collection method: clinical testing. Allele origin: germline.
Comment: The p.G382R variant (also known as c.1144G>A), located in coding exon 4 of the ALK gene, results from a G to A substitution at nucleotide position 1144. The glycine at codon 382 is replaced by arginine, an amino acid with dissimilar properties. This amino acid position is conserved. In addition, this alteration is predicted to be tolerated by in silico analysis. Based on the available evidence, the clinical significance of this variant remains unclear.